The following is an entry in ClinVar:

ClinVar aggregate classification (germline): Conflicting classifications of pathogenicity. Review status: criteria provided, conflicting classifications (1 of 4 stars). 7 submissions from 7 submitters: Uncertain significance (6); Likely benign (1). Last evaluated 2026-07-13.

Conditions:
Heart defect - tongue hamartoma - polysyndactyly syndrome. Also called: Congenital heart defects, hamartomas of tongue, and polysyndactyly. Identifiers: Orphanet 1338, MedGen C1857587, MONDO:0009008, OMIM 217085.
Bardet-Biedl syndrome 15 (BBS15). Identifiers: Orphanet 110, MedGen C3150127, MONDO:0014443, OMIM 615992.
Inborn genetic diseases. Identifiers: MedGen C0950123, MeSH D030342.
WDPCP-related disorder. Also called: WDPCP-related condition.
Bardet-Biedl syndrome (BBS). Identifiers: Orphanet 110, MedGen C0752166, MONDO:0015229.

Allele frequency attached by ClinVar (database versions not stated): ExAC 0.00001; gnomAD 0.00001 and 0.00002; gnomAD exomes 0.00002 and 0.00004; TOPMed 0.00003.
gnomAD v4.1: 18 of 1,613,874 alleles (0.0011%); highest among the groups gnomAD compares: Admixed American, 0.028%; no homozygotes.

Submissions (7):

PreventionGenetics, part of Exact Sciences
Classification: Uncertain significance for WDPCP-related condition. Last evaluated: 2026-07-13. Review status: criteria provided, single submitter. Criteria: ACMG Guidelines, 2015. Collection method: clinical testing. Allele origin: germline.
Comment: The WDPCP c.677A>T variant is predicted to result in the amino acid substitution p.Glu226Val. To our knowledge, this variant has not been reported in the literature. This variant is reported in 0.034% of alleles in individuals of Latino descent in gnomAD. At this time, the clinical significance of this variant is uncertain due to the absence of conclusive functional and genetic evidence.

GeneDx
Classification: Uncertain significance. Last evaluated: 2024-08-08. Review status: criteria provided, single submitter. Criteria: GeneDx Variant Classification Process June 2021. Collection method: clinical testing. Allele origin: germline.
Comment: In silico analysis supports that this missense variant has a deleterious effect on protein structure/function; Has not been previously published as pathogenic or benign to our knowledge

Ambry Genetics
Classification: Likely benign for Inborn genetic diseases. Last evaluated: 2024-06-25. Review status: criteria provided, single submitter. Criteria: Ambry Variant Classification Scheme 2023. Collection method: clinical testing. Allele origin: germline.

Daryl Scott Lab, Baylor College of Medicine
Classification: Uncertain significance for WDPCP-related disorder. Last evaluated: 2024-01-01. Review status: criteria provided, single submitter. Criteria: ACMG Guidelines, 2015. Collection method: clinical testing. Allele origin: unknown. Observed: 1 heterozygote, 1 homozygote.
Comment: PM2

Blueprint Genetics
Classification: Uncertain significance. Last evaluated: 2022-11-02. Review status: criteria provided, single submitter. Criteria: ACMG Guidelines, 2015. Collection method: clinical testing. Allele origin: germline.

Labcorp Genetics (formerly Invitae), Labcorp
Classification: Uncertain significance for Bardet-Biedl syndrome. Last evaluated: 2022-09-12. Review status: criteria provided, single submitter. Criteria: Invitae Variant Classification Sherloc (09022015). Collection method: clinical testing. Allele origin: germline.
Comment: This sequence change replaces glutamic acid, which is acidic and polar, with valine, which is neutral and non-polar, at codon 226 of the WDPCP protein (p.Glu226Val). This variant is present in population databases (rs774816454, gnomAD 0.04%). This variant has not been reported in the literature in individuals affected with WDPCP-related conditions. ClinVar contains an entry for this variant (Variation ID: 858210). Advanced modeling of protein sequence and biophysical properties (such as structural, functional, and spatial information, amino acid conservation, physicochemical variation, residue mobility, and thermodynamic stability) performed at Invitae indicates that this missense variant is not expected to disrupt WDPCP protein function. Algorithms developed to predict the effect of sequence changes on RNA splicing suggest that this variant may create or strengthen a splice site. In summary, the available evidence is currently insufficient to determine the role of this variant in disease. Therefore, it has been classified as a Variant of Uncertain Significance.

Fulgent Genetics
Classification: Uncertain significance for Heart defect - tongue hamartoma - polysyndactyly syndrome; Bardet-Biedl syndrome 15. Last evaluated: 2022-03-17. Review status: criteria provided, single submitter. Criteria: ACMG Guidelines, 2015. Collection method: clinical testing. Allele origin: unknown.

NM_015910.7(WDPCP):c.677A>T (p.Glu226Val)

Gene: WDPCP (WD repeat containing planar cell polarity effector; minus strand). Cytogenetic location: 2p15.
Variant type: single nucleotide variant.
Coding change: c.677A>T on transcript NM_015910.7 (MANE Select); coding-DNA position 677, A replaced by T.
Protein change: p.Glu226Val; replaces glutamic acid 226 with valine.
Molecular consequence: missense variant. On other transcripts: non-coding transcript variant (3).
Genome position (GRCh38, 1-based): chr2:63,433,893, T>A on the plus strand (A>T on the coding strand, the complement: WDPCP is on the minus strand). VCF-style: chr2-63433893-T-A. GRCh37 (hg19) VCF-style: chr2-63661027-T-A.
Other names: c.200A>T, p.Glu67Val (NM_001042692.3); c.605A>T, p.Glu202Val (NM_001354044.2); c.677A>T, p.Glu226Val (NM_001354045.2); short protein forms E202V, E226V, E67V.
Identifiers: ClinVar variation 858210 (VCV000858210.13), dbSNP rs774816454, ClinGen allele CA1682375.